The following is an entry in ClinVar:

ClinVar aggregate classification (germline): Uncertain significance. Review status: criteria provided, multiple submitters, no conflicts (2 of 4 stars). 2 submissions from 2 submitters: Uncertain significance (2). Last evaluated 2024-02-29.

Conditions:
Neuroblastoma, susceptibility to, 1. Identifiers: MedGen C2749485, MONDO:0009741, OMIM 256700.
Charcot-Marie-Tooth disease type 2A1. Also called: HEREDITARY MOTOR AND SENSORY NEUROPATHY IIA1; CHARCOT-MARIE-TOOTH DISEASE, AXONAL, TYPE 2A1; CHARCOT-MARIE-TOOTH DISEASE, AXONAL, AUTOSOMAL DOMINANT, TYPE 2A1; CHARCOT-MARIE-TOOTH DISEASE, NEURONAL, TYPE 2A1; CHARCOT-MARIE-TOOTH NEUROPATHY, TYPE 2A1. Identifiers: Orphanet 99946, MedGen C1861678, MONDO:0007308, OMIM 118210.

Allele frequency attached by ClinVar (database versions not stated): TOPMed below 0.00001.
gnomAD v4.1: 7 of 1,614,174 alleles (0.00043%); highest among the groups gnomAD compares: South Asian, 0.0011%; no homozygotes.

Submissions (2):

Fulgent Genetics
Classification: Uncertain significance for Charcot-Marie-Tooth disease type 2A1; Neuroblastoma, susceptibility to, 1. Last evaluated: 2024-02-29. Review status: criteria provided, single submitter. Criteria: ACMG Guidelines, 2015. Collection method: clinical testing. Allele origin: germline.

Ambry Genetics
Classification: Uncertain significance. Last evaluated: 2024-02-25. Review status: criteria provided, single submitter. Criteria: Ambry Variant Classification Scheme 2023. Collection method: clinical testing. Allele origin: germline.
Comment: The p.A901T variant (also known as c.2701G>A), located in coding exon 24 of the KIF1B gene, results from a G to A substitution at nucleotide position 2701. The alanine at codon 901 is replaced by threonine, an amino acid with similar properties. This amino acid position is well conserved in available vertebrate species. In addition, this alteration is predicted to be tolerated by in silico analysis. Since supporting evidence is limited at this time, the clinical significance of this alteration remains unclear.

NM_001365951.3(KIF1B):c.2839G>A (p.Ala947Thr)

Genes: KIF1B (kinesin family member 1B; plus strand), LOC126805614 (BRD4-independent group 4 enhancer GRCh37_chr1:10385546-10386745; plus strand). Cytogenetic location: 1p36.22.
Variant type: single nucleotide variant.
Coding change: c.2839G>A on transcript NM_001365951.3 (MANE Select); coding-DNA position 2839, G replaced by A.
Protein change: p.Ala947Thr; replaces alanine 947 with threonine.
Molecular consequence: missense variant.
Genome position (GRCh38, 1-based): chr1:10,326,274, G>A. VCF-style: chr1-10326274-G-A. GRCh37 (hg19) VCF-style: chr1-10386332-G-A.
Other names: c.2839G>A, p.Ala947Thr (NM_001365952.1); c.2701G>A, p.Ala901Thr (NM_015074.3); short protein forms A947T, A901T.
Identifiers: ClinVar variation 1794940 (VCV001794940.3), dbSNP rs748284088, ClinGen allele CA338337317.